The following is an entry in ClinVar:

ClinVar aggregate classification (germline): Likely pathogenic (1 of 4 stars; one submission).

Conditions:
Ehlers-Danlos syndrome, type 4 (EDSVASC). Also called: Ehlers-Danlos syndrome vascular type; Ehlers Danlos syndrome, ecchymotic type; Ehlers Danlos syndrome, arterial type; Ehlers Danlos syndrome, Sack-Barabas type; Ehlers-Danlos Syndrome Type IV. Identifiers: Orphanet 286, MedGen C0268338, MONDO:0017314, OMIM 130050.

Submissions (2):

Labcorp Genetics (formerly Invitae), Labcorp
Classification: Likely pathogenic for Ehlers-Danlos syndrome, type 4. Last evaluated: 2022-04-21. Review status: criteria provided, single submitter. Criteria: Invitae Variant Classification Sherloc (09022015). Collection method: clinical testing. Allele origin: germline.
Comment: In summary, the currently available evidence indicates that the variant is pathogenic, but additional data are needed to prove that conclusively. Therefore, this variant has been classified as Likely Pathogenic. This variant disrupts the triple helix domain of COL3A1. Glycine residues within the Gly-Xaa-Yaa repeats of the triple helix domain are required for the structure and stability of fibrillar collagens (PMID: 7695699, 8218237, 19344236). In COL3A1, variants that affect these glycine residues are significantly enriched in individuals with disease (PMID: 24922459, 25758994) compared to the general population (ExAC). Algorithms developed to predict the effect of missense changes on protein structure and function are either unavailable or do not agree on the potential impact of this missense change (SIFT: "Deleterious"; PolyPhen-2: "Not Available"; Align-GVGD: "Class C65"). This variant has not been reported in the literature in individuals affected with COL3A1-related conditions. This variant is not present in population databases (gnomAD no frequency). This sequence change replaces glycine, which is neutral and non-polar, with cysteine, which is neutral and slightly polar, at codon 606 of the COL3A1 protein (p.Gly606Cys).

Dr. Peter K. Rogan Lab, Western University
No classification provided (evidence only). Condition: Squamous cell lung carcinoma. Review status: no classification provided. Collection method: in vitro. Allele origin: not applicable. Functional consequence: retained intron. Not counted in ClinVar's aggregate classification.

Literature cited by the submitters: PubMed 7695699 (cited by Labcorp Genetics (formerly Invitae), Labcorp); PubMed 8218237 (cited by Labcorp Genetics (formerly Invitae), Labcorp); PubMed 19344236 (cited by Labcorp Genetics (formerly Invitae), Labcorp); PubMed 24922459 (cited by Labcorp Genetics (formerly Invitae), Labcorp); PubMed 25758994 (cited by Labcorp Genetics (formerly Invitae), Labcorp).

NM_000090.4(COL3A1):c.1816G>T (p.Gly606Cys)

Gene: COL3A1 (collagen type III alpha 1 chain; plus strand). Cytogenetic location: 2q32.2.
Variant type: single nucleotide variant.
Coding change: c.1816G>T on transcript NM_000090.4 (MANE Select); coding-DNA position 1816, G replaced by T.
Protein change: p.Gly606Cys; replaces glycine 606 with cysteine.
Molecular consequence: missense variant.
Genome position (GRCh38, 1-based): chr2:188,997,336, G>T. VCF-style: chr2-188997336-G-T. GRCh37 (hg19) VCF-style: chr2-189862062-G-T.
Other names: short protein forms G606C.
Identifiers: ClinVar variation 2128970 (VCV002128970.5), dbSNP rs587779613, ClinGen allele CA349853366.
Genomic context (GRCh38, chr2:188,997,336, plus strand): 5'-CTTCTGACTTCTCTCTGTAATCTGTATTATTTCTACTTCCCTAACTGTTCTTGTTTTTAG[G>T]GTCCTCCTGGAAAGAATGGTGAAACTGGACCTCAGGGACCCCCAGGGCCTACTGTAAGTT-3'
Protein context (NP_000081.2, residues 596-616): RGGPGGPGPQ[Gly606Cys]PPGKNGETGP